The following is an entry in ClinVar:

ClinVar aggregate classification (germline): Uncertain significance (1 of 4 stars; one submission).

Submission:

GeneDx
Classification: Uncertain significance. Last evaluated: 2025-06-06. Review status: criteria provided, single submitter. Criteria: GeneDx Variant Classification Process June 2021. Collection method: clinical testing. Allele origin: germline. Affected: yes.
Comment: Not observed at significant frequency in large population cohorts (gnomAD); In silico analysis suggests that this missense variant does not alter protein structure/function; Has not been previously published as pathogenic or benign to our knowledge

NM_006031.6(PCNT):c.1925G>A (p.Gly642Glu)

Gene: PCNT (pericentrin; plus strand). Cytogenetic location: 21q22.3.
Variant type: single nucleotide variant.
Coding change: c.1925G>A on transcript NM_006031.6 (MANE Select); coding-DNA position 1925, G replaced by A.
Protein change: p.Gly642Glu; replaces glycine 642 with glutamic acid.
Molecular consequence: missense variant.
Genome position (GRCh38, 1-based): chr21:46,355,615, G>A. VCF-style: chr21-46355615-G-A. GRCh37 (hg19) VCF-style: chr21-47775530-G-A.
Other names: c.1571G>A, p.Gly524Glu (NM_001315529.2); short protein forms G524E, G642E.
Identifiers: ClinVar variation 4536561 (VCV004536561.1).
Genomic context (GRCh38, chr21:46,355,615, plus strand): 5'-ACAGATGCTGCGTAGAGACTTCAGCATTGGGACACGAGTGGCGTCTGGAACCCTCTGAAG[G>A]GCACAGCCAAGGTGGGCCCCTCCCGCCTCGCCATGGTGTCGGCAGGTCCCGGGTCTGGGG-3'
Protein context (NP_006022.3, residues 632-652): GHEWRLEPSE[Gly642Glu]HSQELPWVHL